The following is an entry in ClinVar:

NM_000303.3(PMM2):c.672del (p.Arg225fs)

Gene: PMM2 (phosphomannomutase 2; plus strand). Cytogenetic location: 16p13.2.
Variant type: Deletion.
Coding change: c.672del on transcript NM_000303.3 (MANE Select); coding-DNA position 672, one base deleted (C; older notation c.672delC).
Protein change: p.Arg225fs; shifts the reading frame from arginine 225.
Molecular consequence: frameshift variant.
Genome position (GRCh38, 1-based): chr16:8,847,756, C deleted; the last of 4 consecutive C bases (chr16:8,847,753-8,847,756); deleting any one gives the same sequence. VCF-style (leftmost placement, unchanged base first): chr16-8847752-AC-A. GRCh37 (hg19) VCF-style: chr16-8941609-AC-A.
Other names: c.672delC (NM_000303.2); short protein forms R225fs.
Identifiers: ClinVar variation 3581418 (VCV003581418.2).
Genomic context (GRCh38, chr16:8,847,752, plus strand): 5'-GGAGCCTTCATCTGTACTTCGTGTCTTTCCAGGGTGGCAATGACCATGAGATCTTCACAG[AC>A]CCCAGAACCATGGGCTACTCCGTGACAGCGCCTGAGGACACGCGCAGGATCTGTGAACTG-3'

ClinVar aggregate classification (germline): Likely pathogenic. Review status: criteria provided, multiple submitters, no conflicts (2 of 4 stars). 2 submissions from 2 submitters: Likely pathogenic (2). Last evaluated 2024-06-20.

Conditions:
PMM2-congenital disorder of glycosylation. Also called: CDG Ia; JAEKEN SYNDROME; PHOSPHOMANNOMUTASE 2 DEFICIENCY; CARBOHYDRATE-DEFICIENT GLYCOPROTEIN SYNDROME, TYPE Ia; PMM2-CDG; Congenital disorder of glycosylation, type Ia. Identifiers: Orphanet 79318, MedGen C0349653, MONDO:0008907, OMIM 212065.

Submissions (2):

Fulgent Genetics
Classification: Likely pathogenic for PMM2-congenital disorder of glycosylation. Last evaluated: 2024-06-20. Review status: criteria provided, single submitter. Criteria: ACMG Guidelines, 2015. Collection method: clinical testing. Allele origin: germline.

Natera, Inc.
Classification: Likely pathogenic for Congenital disorder of glycosylation type 1a. Last evaluated: 2024-04-10. Review status: criteria provided, single submitter. Criteria: Natera Variant Classification Schema (03/2026). Collection method: clinical testing. Allele origin: germline.
Comment: The c.672delC variant in PMM2 is a frameshift variant predicted to shift the reading frame beginning at codon 225 and leads to a stop codon 7 codons downstream. This variant is expected to result in nonsense mediated decay, truncation, or a dysfunctional protein product. This variant is rare in the general population with a frequency below the threshold expected for the associated phenotype(s). Given the available evidence, this variant is classified as Likely Pathogenic.